The following is an entry in ClinVar:

NM_000512.5(GALNS):c.1431G>A (p.Glu477=)

Genes: GALNS (galactosamine (N-acetyl)-6-sulfatase; minus strand), LOC126862447 (CDK7 strongly-dependent group 2 enhancer GRCh37_chr16:88884193-88885392; plus strand). Cytogenetic location: 16q24.3.
Variant type: single nucleotide variant.
Coding change: c.1431G>A on transcript NM_000512.5 (MANE Select); coding-DNA position 1431, G replaced by A.
Protein change: p.Glu477=; no amino-acid change (glutamic acid 477 retained).
Molecular consequence: synonymous variant.
Genome position (GRCh38, 1-based): chr16:88,818,058, C>T on the plus strand (G>A on the coding strand, the complement: GALNS is on the minus strand). VCF-style: chr16-88818058-C-T. GRCh37 (hg19) VCF-style: chr16-88884466-C-T.
Other names: c.876G>A, p.Glu292= (NM_001323543.2); c.1449G>A, p.Glu483= (NM_001323544.2).
Identifiers: ClinVar variation 93168 (VCV000093168.26), dbSNP rs2303271, ClinGen allele CA146715.

ClinVar aggregate classification (germline): Benign. Review status: criteria provided, multiple submitters, no conflicts (2 of 4 stars). 12 submissions from 12 submitters: Benign (10). 2 of the submissions do not count toward it. Last evaluated 2026-02-04.

Conditions:
Mucopolysaccharidosis, MPS-IV-A (MPS4A). Also called: GALACTOSAMINE-6-SULFATASE DEFICIENCY; GALNS DEFICIENCY; mucopolysaccharidosis type 4A; Mucopolysaccharidosis type IV A; MORQUIO A DISEASE; MPS IVA. Identifiers: Orphanet 309297, Orphanet 582, MedGen C0086651, MONDO:0009659, OMIM 253000.

Allele frequency attached by ClinVar (database versions not stated): gnomAD exomes 0.36859 and 0.40711; ESP Exome Variant Server 0.39913; gnomAD 0.40780 and 0.41023; TOPMed 0.42067; 1000 Genomes Project 30x 0.46861; 1000 Genomes Project 0.47424; ExAC 0.48292.
gnomAD v4.1: 589,919 of 1,578,382 alleles (37%); highest among the groups gnomAD compares: East Asian, 63%; 113,008 homozygotes.

Submissions (12):

Labcorp Genetics (formerly Invitae), Labcorp
Classification: Benign for Mucopolysaccharidosis, MPS-IV-A. Last evaluated: 2026-02-04. Review status: criteria provided, single submitter. Criteria: Invitae Variant Classification Sherloc (09022015). Collection method: clinical testing. Allele origin: germline.

Blueprint Genetics
Classification: Benign. Last evaluated: 2024-11-27. Review status: criteria provided, single submitter. Criteria: ACMG Guidelines, 2015. Collection method: clinical testing. Allele origin: germline.

Genome-Nilou Lab
Classification: Benign for Mucopolysaccharidosis, MPS-IV-A. Last evaluated: 2021-08-10. Review status: criteria provided, single submitter. Criteria: ACMG Guidelines, 2015. Collection method: clinical testing. Allele origin: germline. Affected: no.

Illumina Laboratory Services, Illumina
Classification: Benign for Mucopolysaccharidosis, MPS-IV-A. Last evaluated: 2018-01-13. Review status: criteria provided, single submitter. Criteria: ICSL Variant Classification Criteria 13 December 2019. Collection method: clinical testing. Allele origin: germline.
Comment: This variant was observed in the ICSL laboratory as part of a predisposition screen in an ostensibly healthy population. It had not been previously curated by ICSL or reported in the Human Gene Mutation Database (HGMD: prior to June 1st, 2018), and was therefore a candidate for classification through an automated scoring system. Utilizing variant allele frequency, disease prevalence and penetrance estimates, and inheritance mode, an automated score was calculated to assess if this variant is too frequent to cause the disease. Based on the score and internal cut-off values, a variant classified as benign is not then subjected to further curation. The score for this variant resulted in a classification of benign for this disease.

Women's Health and Genetics/Laboratory Corporation of America, LabCorp
Classification: Benign. Last evaluated: 2017-10-30. Review status: criteria provided, single submitter. Criteria: LabCorp Variant Classification Summary - May 2015. Collection method: clinical testing. Allele origin: germline.
Comment: Variant summary: The GALNS c.1431G>A (p.Glu477Glu) variant involves the alteration of a non-conserved nucleotide, resulting in a synonymous change. One in silico tool predicts a benign outcome for this variant. 5/5 splice prediction tools predict no significant impact on normal splicing. However, these predictions have yet to be confirmed by functional studies. This variant was found in 91177/224468 control chromosomes (882 homozygotes) at a frequency of 0.4061915, which is approximately 199 times the estimated maximal expected allele frequency of a pathogenic GALNS variant (0.0020412), strong evidence that this variant is a benign polymorphism. In addition, multiple clinical diagnostic laboratories/reputable databases classified this variant as benign. Taken together, this variant is classified as benign.

Eurofins Ntd Llc (ga)
Classification: Benign. Last evaluated: 2017-01-26. Review status: criteria provided, single submitter. Criteria: EGL Classification Definitions 2015. Collection method: clinical testing. Allele origin: germline. Observed: 75 variant alleles, 40 heterozygotes, 35 homozygotes.

Clinical Genetics DNA and cytogenetics Diagnostics Lab, Erasmus MC, Erasmus Medical Center
Classification: Benign for Mucopolysaccharidosis, MPS-IV-A. Last evaluated: 2015-09-21. Review status: criteria provided, single submitter. Criteria: ACGS Guidelines, 2013. Collection method: clinical testing. Allele origin: germline. Affected: yes. Study: VKGL Data-share Consensus.

GeneDx
Classification: Benign. Last evaluated: 2015-03-03. Review status: criteria provided, single submitter. Criteria: GeneDx Variant Classification Process June 2021. Collection method: clinical testing. Allele origin: germline. Affected: yes.

Breakthrough Genomics
Classification: Benign. Review status: criteria provided, single submitter. Criteria: ACMG Guidelines, 2015. Collection method: not provided. Allele origin: germline. Inheritance: Autosomal recessive inheritance. Affected: yes.

PreventionGenetics, part of Exact Sciences
Classification: Benign. Review status: criteria provided, single submitter. Criteria: ACMG Guidelines, 2015. Collection method: clinical testing. Allele origin: germline.

Mayo Clinic Laboratories, Mayo Clinic
Classification: Benign. Last evaluated: 2015-10-22. Review status: no assertion criteria provided. Collection method: clinical testing. Allele origin: unknown. Not counted in ClinVar's aggregate classification.

Diagnostic Laboratory, Department of Genetics, University Medical Center Groningen
Classification: Benign for Mucopolysaccharidosis, MPS-IV-A. Review status: no assertion criteria provided. Collection method: clinical testing. Allele origin: germline. Affected: yes. Study: VKGL Data-share Consensus. Not counted in ClinVar's aggregate classification.